The following is an entry in ClinVar:

ClinVar aggregate classification (germline): Uncertain significance (1 of 4 stars; one submission).

Conditions:
MED13L-related disorder. Also called: MED13L-related condition.

Submission:

PreventionGenetics, part of Exact Sciences
Classification: Uncertain significance for MED13L-related condition. Last evaluated: 2022-08-30. Review status: criteria provided, single submitter. Criteria: ACMG Guidelines, 2015. Collection method: clinical testing. Allele origin: germline.
Comment: The MED13L c.2635C>A variant is predicted to result in the amino acid substitution p.Pro879Thr. To our knowledge, this variant has not been reported in the literature or in a large population database, indicating this variant is rare. At this time, the clinical significance of this variant is uncertain due to the absence of conclusive functional and genetic evidence.

NM_015335.5(MED13L):c.2635C>A (p.Pro879Thr)

Gene: MED13L (mediator complex subunit 13L; minus strand). Cytogenetic location: 12q24.21.
Variant type: single nucleotide variant.
Coding change: c.2635C>A on transcript NM_015335.5 (MANE Select); coding-DNA position 2635, C replaced by A.
Protein change: p.Pro879Thr; replaces proline 879 with threonine.
Molecular consequence: missense variant.
Genome position (GRCh38, 1-based): chr12:115,997,165, G>T on the plus strand (C>A on the coding strand, the complement: MED13L is on the minus strand). VCF-style: chr12-115997165-G-T. GRCh37 (hg19) VCF-style: chr12-116434970-G-T.
Other names: short protein forms P879T.
Identifiers: ClinVar variation 2636211 (VCV002636211.1), dbSNP rs2137330781, ClinGen allele CA386890787.